The following is an entry in ClinVar:

ClinVar aggregate classification (germline): Uncertain significance (1 of 4 stars; one submission).

Conditions:
Inborn genetic diseases. Identifiers: MedGen C0950123, MeSH D030342.

Submission:

Ambry Genetics
Classification: Uncertain significance for Inborn genetic diseases. Last evaluated: 2026-07-17. Review status: criteria provided, single submitter. Criteria: Ambry Variant Classification Scheme 2023. Collection method: clinical testing. Allele origin: germline.
Comment: The p.D988Y variant (also known as c.2962G>T), located in coding exon 13 of the ASXL1 gene, results from a G to T substitution at nucleotide position 2962. The aspartic acid at codon 988 is replaced by tyrosine, an amino acid with highly dissimilar properties. This amino acid position is conserved. In addition, this alteration is predicted to be tolerated by in silico analysis. Based on the available evidence, the clinical significance of this variant remains unclear.

NM_015338.6(ASXL1):c.2962G>T (p.Asp988Tyr)

Gene: ASXL1 (ASXL transcriptional regulator 1; plus strand). Cytogenetic location: 20q11.21.
Variant type: single nucleotide variant.
Coding change: c.2962G>T on transcript NM_015338.6 (MANE Select); coding-DNA position 2962, G replaced by T.
Protein change: p.Asp988Tyr; replaces aspartic acid 988 with tyrosine.
Molecular consequence: missense variant.
Genome position (GRCh38, 1-based): chr20:32,435,674, G>T. VCF-style: chr20-32435674-G-T. GRCh37 (hg19) VCF-style: chr20-31023477-G-T.
Other names: c.2779G>T, p.Asp927Tyr (NM_001363734.1); short protein forms D988Y, D927Y.
Identifiers: ClinVar variation 5029946 (VCV005029946.1).
Genomic context (GRCh38, chr20:32,435,674, plus strand): 5'-AGTGACAGCAATGGCAGTTACTGTCAACAGGTGGACATTGAAAAGCTGAAAATCAACGGA[G>T]ACTCTGAAGCACTGAGTCCTCACGGTGAGTCCACGGATACAGCCTCTGACTTTGAAGGTC-3'
Protein context (NP_056153.2, residues 978-998): VDIEKLKING[Asp988Tyr]SEALSPHGES